The following is an entry in ClinVar:

NM_000393.5(COL5A2):c.2446-13A>G

Gene: COL5A2 (collagen type V alpha 2 chain; minus strand). Cytogenetic location: 2q32.2.
Variant type: single nucleotide variant.
Coding change: c.2446-13A>G on transcript NM_000393.5 (MANE Select); 13 bases into the intron before coding-DNA position 2446, A replaced by G.
Molecular consequence: intron variant.
Genome position (GRCh38, 1-based): chr2:189,053,961, T>C on the plus strand (A>G on the coding strand, the complement: COL5A2 is on the minus strand). VCF-style: chr2-189053961-T-C. GRCh37 (hg19) VCF-style: chr2-189918687-T-C.
Identifiers: ClinVar variation 2162195 (VCV002162195.4), dbSNP rs1371293024, ClinGen allele CA762234844.

ClinVar aggregate classification (germline): Uncertain significance (1 of 4 stars; one submission).

Conditions:
Ehlers-Danlos syndrome, classic type, 1 (EDSCL1). Also called: Ehlers-Danlos Syndrome, Classic Type, COL5A1-Related; EHLERS-DANLOS SYNDROME, GRAVIS TYPE; EHLERS-DANLOS SYNDROME, SEVERE CLASSIC TYPE; Ehlers-Danlos syndrome, type 1; EDS I. Identifiers: MedGen C0268335, MONDO:0019567, OMIM 130000.

Allele frequency attached by ClinVar (database versions not stated): TOPMed below 0.00001.

Submission:

Labcorp Genetics (formerly Invitae), Labcorp
Classification: Uncertain significance for Ehlers-Danlos syndrome, classic type, 1. Last evaluated: 2022-08-24. Review status: criteria provided, single submitter. Criteria: Invitae Variant Classification Sherloc (09022015). Collection method: clinical testing. Allele origin: germline.
Comment: This sequence change falls in intron 36 of the COL5A2 gene. It does not directly change the encoded amino acid sequence of the COL5A2 protein. This variant is not present in population databases (gnomAD no frequency). This variant has not been reported in the literature in individuals affected with COL5A2-related conditions. Algorithms developed to predict the effect of sequence changes on RNA splicing suggest that this variant may create or strengthen a splice site. In summary, the available evidence is currently insufficient to determine the role of this variant in disease. Therefore, it has been classified as a Variant of Uncertain Significance.